The following is an entry in ClinVar:

NM_002241.5(KCNJ10):c.1007T>C (p.Val336Ala)

Gene: KCNJ10 (potassium inwardly rectifying channel subfamily J member 10; minus strand). Cytogenetic location: 1q23.2.
Variant type: single nucleotide variant.
Coding change: c.1007T>C on transcript NM_002241.5 (MANE Select); coding-DNA position 1007, T replaced by C.
Protein change: p.Val336Ala; replaces valine 336 with alanine.
Molecular consequence: missense variant.
Genome position (GRCh38, 1-based): chr1:160,041,526, A>G on the plus strand (T>C on the coding strand, the complement: KCNJ10 is on the minus strand). VCF-style: chr1-160041526-A-G. GRCh37 (hg19) VCF-style: chr1-160011316-A-G.
Other names: short protein forms V336A.
Identifiers: ClinVar variation 1931841 (VCV001931841.6), dbSNP rs778505490, ClinGen allele CA1193178.

ClinVar aggregate classification (germline): Uncertain significance. Review status: criteria provided, multiple submitters, no conflicts (2 of 4 stars). 2 submissions from 2 submitters: Uncertain significance (2). Last evaluated 2024-02-12.

Conditions:
Autosomal recessive nonsyndromic hearing loss 4 (DFNB4). Also called: Nonsyndromic enlarged vestibular aqueduct (NSEVA); FOXI1-Related Pendred Syndrome; KCNJ10-Related Pendred Syndrome; DEAFNESS, AUTOSOMAL RECESSIVE 4, WITH ENLARGED VESTIBULAR AQUEDUCT, DIGENIC; Deafness, autosomal recessive 4, with enlarged vestibular aqueduct; Deafness, autosomal recessive 4. Identifiers: Orphanet 90636, MedGen C3538946, MONDO:0010933, OMIM 600791.
EAST syndrome (SESAMES). Also called: SEIZURES, SENSORINEURAL DEAFNESS, ATAXIA, IMPAIRED INTELLECTUAL DEVELOPMENT, AND ELECTROLYTE IMBALANCE. Identifiers: Orphanet 199343, MedGen C2748572, MONDO:0013005, OMIM 612780.

Allele frequency attached by ClinVar (database versions not stated): gnomAD exomes below 0.00001; ExAC 0.00001; TOPMed 0.00001; gnomAD 0.00002.
gnomAD v4.1: 6 of 1,614,040 alleles (0.00037%); highest among the groups gnomAD compares: African/African-American, 0.0013%; no homozygotes.

Submissions (2):

Fulgent Genetics
Classification: Uncertain significance for Autosomal recessive nonsyndromic hearing loss 4; EAST syndrome. Last evaluated: 2024-02-12. Review status: criteria provided, single submitter. Criteria: ACMG Guidelines, 2015. Collection method: clinical testing. Allele origin: germline.

Labcorp Genetics (formerly Invitae), Labcorp
Classification: Uncertain significance for EAST syndrome. Last evaluated: 2022-03-23. Review status: criteria provided, single submitter. Criteria: Invitae Variant Classification Sherloc (09022015). Collection method: clinical testing. Allele origin: germline.
Comment: In summary, the available evidence is currently insufficient to determine the role of this variant in disease. Therefore, it has been classified as a Variant of Uncertain Significance. Algorithms developed to predict the effect of missense changes on protein structure and function are either unavailable or do not agree on the potential impact of this missense change (SIFT: "Deleterious"; PolyPhen-2: "Benign"; Align-GVGD: "Class C0"). This variant has not been reported in the literature in individuals affected with KCNJ10-related conditions. This variant is present in population databases (rs778505490, gnomAD 0.01%). This sequence change replaces valine, which is neutral and non-polar, with alanine, which is neutral and non-polar, at codon 336 of the KCNJ10 protein (p.Val336Ala).